The following is an entry in ClinVar:

ClinVar aggregate classification (germline): Conflicting classifications of pathogenicity. Review status: criteria provided, conflicting classifications (1 of 4 stars). 4 submissions from 4 submitters: Uncertain significance (1); Benign (1); Likely benign (2). Last evaluated 2025-11-30.

Conditions:
Hereditary cancer-predisposing syndrome. Also called: Hereditary Cancer Syndrome; Neoplastic Syndromes, Hereditary; Tumor predisposition; Hereditary neoplastic syndrome. Identifiers: Orphanet 140162, MedGen C0027672, MeSH D009386, MONDO:0015356.
Familial cancer of breast. Also called: BREAST CANCER, FAMILIAL; Hereditary breast cancer; hereditary breast carcinoma. Identifiers: Orphanet 227535, MedGen C0346153, MONDO:0016419, OMIM 114480. Disease mechanism: loss of function.

Allele frequency attached by ClinVar (database versions not stated): TOPMed below 0.00001; gnomAD 0.00002.
gnomAD v4.1: 3 of 1,613,896 alleles (0.00019%); highest among the groups gnomAD compares: African/African-American, 0.004%; no homozygotes.

Submissions (4):

Labcorp Genetics (formerly Invitae), Labcorp
Classification: Likely benign for Familial cancer of breast. Last evaluated: 2025-11-30. Review status: criteria provided, single submitter. Criteria: Invitae Variant Classification Sherloc (09022015). Collection method: clinical testing. Allele origin: germline.

Myriad Genetics, Inc.
Classification: Benign for Familial cancer of breast. Last evaluated: 2025-01-09. Review status: criteria provided, single submitter. Criteria: Myriad Autosomal Dominant, Autosomal Recessive and X-Linked Classification Criteria (2023). Collection method: clinical testing. Allele origin: unknown.
Comment: This variant is considered benign. This variant is a silent/synonymous amino acid change and it is not expected to impact splicing.

Quest Diagnostics Nichols Institute San Juan Capistrano
Classification: Uncertain significance. Last evaluated: 2022-09-23. Review status: criteria provided, single submitter. Criteria: Quest Diagnostics criteria. Collection method: clinical testing. Allele origin: unknown.
Comment: To the best of our knowledge, the variant has not been reported in the published literature. The frequency of this variant in the general population, 0.000032 (1/31398 chromosomes), is uninformative in assessment of its pathogenicity. Analysis of this variant using software algorithms for the prediction of the effect of nucleotide changes on splicing yielded predictions that this variant does not affect PALB2 mRNA splicing . Based on the available information, we are unable to determine the clinical significance of this variant.

Ambry Genetics
Classification: Likely benign for Hereditary cancer-predisposing syndrome. Last evaluated: 2016-03-14. Review status: criteria provided, single submitter. Criteria: Ambry Variant Classification Scheme 2023. Collection method: clinical testing. Allele origin: germline.

NM_024675.4(PALB2):c.90G>A (p.Lys30=)

Gene: PALB2 (partner and localizer of BRCA2; minus strand). Cytogenetic location: 16p12.2.
Variant type: single nucleotide variant.
Coding change: c.90G>A on transcript NM_024675.4 (MANE Select); coding-DNA position 90, G replaced by A.
Protein change: p.Lys30=; no amino-acid change (lysine 30 retained).
Molecular consequence: synonymous variant.
Genome position (GRCh38, 1-based): chr16:23,638,088, C>T on the plus strand (G>A on the coding strand, the complement: PALB2 is on the minus strand). VCF-style: chr16-23638088-C-T. GRCh37 (hg19) VCF-style: chr16-23649409-C-T.
Identifiers: ClinVar variation 480242 (VCV000480242.17), dbSNP rs515726130, ClinGen allele CA494167972.
Genomic context (GRCh38, chr16:23,638,088, plus strand): 5'-TTTGTACTATAACACCTTAATTTGAGAATACGATTCACTTACCTGAAGGCGGGCTAGTGT[C>T]TTGCTGTATTCCCTTTTCAAGAATGCTAATTTCTCCTTTAACTGGAAGAAGAAAAACACC-3'
Protein context (NP_078951.2, residues 20-40): KLAFLKREYS[Lys30=]TLARLQRAQR